The following continues an entry in ClinVar:

NM_002485.5(NBN):c.628G>T (p.Val210Phe)

Gene: NBN. ClinVar aggregate classification (germline): Conflicting classifications of pathogenicity. Uncertain significance (9); Likely benign (10).

Submissions 15 to 24 of 24:

ARUP Laboratories, Molecular Genetics and Genomics, ARUP Laboratories
Classification: Uncertain significance. Last evaluated: 2019-03-25. Review status: criteria provided, single submitter. Criteria: ARUP Molecular Germline Variant Investigation Process. Collection method: clinical testing. Allele origin: germline.
Comment: The NBN c.628G>T; p.Val210Phe variant (rs61754796) is reported in the literature in individuals with melanoma, acute lymphoblastic leukemia, breast or ovarian cancer (Dominguez-Valentin 2018, Mateju 2012, Meyer 2007, Mosor 2006, Ramus 2015, Steffen 2006, Varon 2001), but is also reported in controls (Mateju 2012, Offer 2010, Ramus 2015). This variant is also found in the general population with an overall allele frequency of 0.04% (115/282316 alleles) in the Genome Aggregation Database. This variant is classified as uncertain by multiple laboratories in ClinVar (Variation ID: 127014). The valine at codon 210 is weakly conserved, but computational analyses (SIFT: Damaging, PolyPhen-2: Benign) predict conflicting effects of this variant on protein structure/function. Based on available information, the clinical significance of this variant is uncertain at this time. REFERENCES Dominguez-Valentin M et al. Genetic variants of prospectively demonstrated phenocopies in BRCA1/2 kindreds. Hered Cancer Clin Pract. 2018 Jan 15;16:4. Mateju M et al. Germline mutations 657del5 and 643C>T (R215W) in NBN are not likely to be associated with increased risk of breast cancer in Czech women. Breast Cancer Res Treat. 2012 Jun;133(2):809-11. Meyer P et al. Molecular genetic analysis of NBS1 in German melanoma patients. Melanoma Res. 2007 Apr;17(2):109-16. Mosor M et al. Association of the heterozygous germline I171V mutation of the NBS1 gene with childhood acute lymphoblastic leukemia. Leukemia. 2006 Aug;20(8):1454-6. Offer SM et al. Unique DNA repair gene variations and potential associations with the primary antibody deficiency syndromes IgAD and CVID. PLoS One. 2010 Aug 18;5(8):e12260. Ramus SJ et al. Germline Mutations in the BRIP1, BARD1, PALB2, and NBN Genes in Women With Ovarian Cancer. J Natl Cancer Inst. 2015 Aug 27;107(11). Steffen J et al. Germline mutations 657del5 of the NBS1 gene contribute significantly to the incidence of breast cancer in Central Poland. Int J Cancer. 2006 Jul 15;119(2):472-5. Varon R et al. Mutations in the Nijmegen Breakage Syndrome gene (NBS1) in childhood acute lymphoblastic leukemia (ALL). Cancer Res. 2001 May 1;61(9):3570-2.

Ambry Genetics
Classification: Likely benign for Hereditary cancer-predisposing syndrome. Last evaluated: 2018-10-09. Review status: criteria provided, single submitter. Criteria: Ambry Variant Classification Scheme 2023. Collection method: clinical testing. Allele origin: germline.

Illumina Laboratory Services, Illumina
Classification: Uncertain significance for Microcephaly, normal intelligence and immunodeficiency. Last evaluated: 2017-08-29. Review status: criteria provided, single submitter. Criteria: ICSL Variant Classification Criteria 13 December 2019. Collection method: clinical testing. Allele origin: germline.
Comment: This variant was observed as part of a predisposition screen in an ostensibly healthy population. A literature search was performed for the gene, cDNA change, and amino acid change (where applicable). Publications were found based on this search. However, the evidence from the literature, in combination with allele frequency data from public databases where available, was not sufficient to rule this variant in or out of causing disease. Therefore, this variant is classified as a variant of unknown significance.

Fulgent Genetics
Classification: Uncertain significance for Microcephaly, normal intelligence and immunodeficiency; Aplastic anemia; Acute lymphoid leukemia. Last evaluated: 2017-05-23. Review status: criteria provided, single submitter. Criteria: ACMG Guidelines, 2015. Collection method: clinical testing. Allele origin: unknown.

Genetic Services Laboratory, University of Chicago
Classification: Uncertain significance. Last evaluated: 2015-01-30. Review status: criteria provided, single submitter. Criteria: ACMG Guidelines, 2015. Collection method: clinical testing. Allele origin: germline.

ITMI
No classification provided. Condition: AllHighlyPenetrant. Last evaluated: 2013-09-19. Review status: no classification provided. Collection method: reference population. Allele origin: germline. Not counted in ClinVar's aggregate classification.
Comment: Please see associated publication for description of ethnicities

Clinical Genetics DNA and cytogenetics Diagnostics Lab, Erasmus MC, Erasmus Medical Center
Classification: Likely benign. Review status: no assertion criteria provided. Collection method: clinical testing. Allele origin: germline. Affected: yes. Study: VKGL Data-share Consensus. Not counted in ClinVar's aggregate classification.

Department of Pathology and Laboratory Medicine, Sinai Health System
Classification: Uncertain significance for Malignant tumor of breast. Review status: no assertion criteria provided. Collection method: clinical testing. Allele origin: unknown. Affected: yes. Study: The Canadian Open Genetics Repository (COGR). Not counted in ClinVar's aggregate classification.
Comment: The NBN p.Val210Phe variant was identified in 4 of 3654 proband chromosomes (frequency: 0.001) from individuals or families with melanoma, breast cancer, Non-Hodgkin lymphomas, ALL (Meyer_2007, Damiola_2014, Cerosaletti_2002, Varon_2001). The variant was also identified in the following databases: dbSNP (ID: rs61754796) as â€šÃ„ÃºWith Uncertain significance alleleâ€šÃ„Ã¹, ClinVar (classified as uncertain significance by GeneDx, Invitae, GSLUC; classified as likely benign by Ambry Genetics), Clinvitae (classified as uncertain significance by ClinVar, Invitae; classified as likely benign by ClinVar), and the Zhejiang Colon Cancer Database. The variant was not identified in Cosmic or LOVD 3.0, databases. The variant was identified in 116 of 276770 chromosomes at a frequency of 0.0004 in the following populations: African in 3 of 24004 chromosomes (freq. 0.000125), â€šÃ„Ãºotherâ€šÃ„Ã¹ in 3 of 6450 chromosomes (freq. 0.00046), Latino in 4 of 34354 chromosomes (freq. 0.000116), European in 97 of 126420 chromosomes (freq. 0.00076), Finnish in 5 of 25764 chromosomes (freq. 0.0002), and South Asian in 4 of 30782 chromosomes (freq. 0.00013), increasing the likelihood this could be a low frequency benign variant in certain populations (Genome Aggregation Consortium Feb 27, 2017). The p.Val210 residue is conserved in mammals and computational analyses (PolyPhen-2, SIFT, AlignGVGD, BLOSUM, MutationTaster) provide inconsistent predictions regarding the impact to the protein; this information is not very predictive of pathogenicity. The variant occurs outside of the splicing consensus sequence and 1 of 5 in silico or computational prediction software programs (SpliceSiteFinder, MaxEntScan, NNSPLICE, GeneSplicer, HumanSpliceFinder) predict a greater than 10% difference in splicing; this is not very predictive of pathogenicity. The variant is located with the Nibrin functional domain. In summary, based on the above information, the clinical significance of this variant cannot be determined with certainty at this time. This variant is classified as a variant of uncertain significance.

Genome Diagnostics Laboratory, Amsterdam University Medical Center
Classification: Likely benign. Review status: no assertion criteria provided. Collection method: clinical testing. Allele origin: germline. Affected: yes. Study: VKGL Data-share Consensus. Not counted in ClinVar's aggregate classification.

Harris Lab, University of Minnesota
No classification provided. Review status: no classification provided. Collection method: not provided. Allele origin: unknown. Not counted in ClinVar's aggregate classification.

Literature cited by the submitters: PubMed 24728327 (cited by 4 submitters); PubMed 26315354 (cited by 3 submitters); PubMed 26564480 (cited by Women's Health and Genetics/Laboratory Corporation of America, LabCorp); PubMed 11325820 (cited by 3 submitters); PubMed 26787654 (cited by Women's Health and Genetics/Laboratory Corporation of America, LabCorp and Quest Diagnostics Nichols Institute San Juan Capistrano); PubMed 16810201 (cited by 3 submitters); PubMed 12353271 (cited by 3 submitters); PubMed 22491912 (cited by 4 submitters); PubMed 16770759 (cited by Women's Health and Genetics/Laboratory Corporation of America, LabCorp and Quest Diagnostics Nichols Institute San Juan Capistrano); PubMed 29371908 (cited by Women's Health and Genetics/Laboratory Corporation of America, LabCorp and Quest Diagnostics Nichols Institute San Juan Capistrano); PubMed 29522266 (cited by Women's Health and Genetics/Laboratory Corporation of America, LabCorp and Quest Diagnostics Nichols Institute San Juan Capistrano); PubMed 30306255 (cited by Women's Health and Genetics/Laboratory Corporation of America, LabCorp and Quest Diagnostics Nichols Institute San Juan Capistrano); PubMed 31780696 (cited by Women's Health and Genetics/Laboratory Corporation of America, LabCorp and Quest Diagnostics Nichols Institute San Juan Capistrano); PubMed 31874108 (cited by Women's Health and Genetics/Laboratory Corporation of America, LabCorp and Quest Diagnostics Nichols Institute San Juan Capistrano); PubMed 32668560 (cited by Women's Health and Genetics/Laboratory Corporation of America, LabCorp and Quest Diagnostics Nichols Institute San Juan Capistrano); PubMed 34072463 (cited by Women's Health and Genetics/Laboratory Corporation of America, LabCorp and Quest Diagnostics Nichols Institute San Juan Capistrano); PubMed 19804756 (cited by Quest Diagnostics Nichols Institute San Juan Capistrano and Illumina Laboratory Services, Illumina); PubMed 20805886 (cited by Quest Diagnostics Nichols Institute San Juan Capistrano); PubMed 24894818 (cited by 3 submitters); PubMed 24396275 (cited by Quest Diagnostics Nichols Institute San Juan Capistrano and Illumina Laboratory Services, Illumina); PubMed 17496786 (cited by Quest Diagnostics Nichols Institute San Juan Capistrano and Illumina Laboratory Services, Illumina); PubMed 18606567 (cited by Quest Diagnostics Nichols Institute San Juan Capistrano); PubMed 34284872 (cited by Quest Diagnostics Nichols Institute San Juan Capistrano); PubMed 33471991 (cited by Quest Diagnostics Nichols Institute San Juan Capistrano); PubMed 35264596 (cited by Quest Diagnostics Nichols Institute San Juan Capistrano); PubMed 19452044 (cited by Illumina Laboratory Services, Illumina).